The following is an entry in ClinVar:

NM_004438.5(EPHA4):c.2224T>C (p.Tyr742His)

Gene: EPHA4 (EPH receptor A4; minus strand). Cytogenetic location: 2q36.1.
Variant type: single nucleotide variant.
Coding change: c.2224T>C on transcript NM_004438.5 (MANE Select); coding-DNA position 2224, T replaced by C.
Protein change: p.Tyr742His; replaces tyrosine 742 with histidine.
Molecular consequence: missense variant.
Genome position (GRCh38, 1-based): chr2:221,436,521, A>G on the plus strand (T>C on the coding strand, the complement: EPHA4 is on the minus strand). VCF-style: chr2-221436521-A-G. GRCh37 (hg19) VCF-style: chr2-222301241-A-G.
Other names: c.2224T>C, p.Tyr742His (NM_001304536.2, NM_001363748.2); c.2071T>C, p.Tyr691His (NM_001304537.2); short protein forms Y691H, Y742H.
Identifiers: ClinVar variation 3012687 (VCV003012687.3), dbSNP rs769432864, ClinGen allele CA2134827.

ClinVar aggregate classification (germline): Uncertain significance (1 of 4 stars; one submission).

Allele frequency attached by ClinVar (database versions not stated): gnomAD exomes below 0.00001; TOPMed below 0.00001; ExAC 0.00001; gnomAD 0.00001.
gnomAD v4.1: 3 of 1,614,094 alleles (0.00019%); highest among the groups gnomAD compares: Non-Finnish European, 0.00025%; no homozygotes.

Submission:

Labcorp Genetics (formerly Invitae), Labcorp
Classification: Uncertain significance. Last evaluated: 2023-12-07. Review status: criteria provided, single submitter. Criteria: Invitae Variant Classification Sherloc (09022015). Collection method: clinical testing. Allele origin: germline.
Comment: This sequence change replaces tyrosine, which is neutral and polar, with histidine, which is basic and polar, at codon 742 of the EPHA4 protein (p.Tyr742His). This variant is present in population databases (rs769432864, gnomAD 0.0009%). This variant has not been reported in the literature in individuals affected with EPHA4-related conditions. Advanced modeling of protein sequence and biophysical properties (such as structural, functional, and spatial information, amino acid conservation, physicochemical variation, residue mobility, and thermodynamic stability) performed at Invitae indicates that this missense variant is expected to disrupt EPHA4 protein function with a positive predictive value of 80%. In summary, the available evidence is currently insufficient to determine the role of this variant in disease. Therefore, it has been classified as a Variant of Uncertain Significance.